The following is an entry in ClinVar:

NM_019594.4(LRRC8A):c.581T>C (p.Met194Thr)

Gene: LRRC8A (leucine rich repeat containing 8 VRAC subunit A; plus strand). Cytogenetic location: 9q34.11.
Variant type: single nucleotide variant.
Coding change: c.581T>C on transcript NM_019594.4 (MANE Select); coding-DNA position 581, T replaced by C.
Protein change: p.Met194Thr; replaces methionine 194 with threonine.
Molecular consequence: missense variant.
Genome position (GRCh38, 1-based): chr9:128,907,745, T>C. VCF-style: chr9-128907745-T-C. GRCh37 (hg19) VCF-style: chr9-131670024-T-C.
Other names: c.581T>C, p.Met194Thr (NM_001127244.2, NM_001127245.2); short protein forms M194T.
Identifiers: ClinVar variation 2084503 (VCV002084503.6), dbSNP rs145423415, ClinGen allele CA5270734.
Genomic context (GRCh38, chr9:128,907,745, plus strand): 5'-CGGAGACAGTGGTGGAGGAGAGCGACCCCAAGCCGGCCTTCAGCAAGATGAATGGGTCCA[T>C]GGACAAAAAGTCATCGACCGTCAGTGAGGACGTGGAGGCCACCGTGCCCATGCTGCAGCG-3'
Protein context (NP_062540.2, residues 184-204): KPAFSKMNGS[Met194Thr]DKKSSTVSED

ClinVar aggregate classification (germline): Uncertain significance. Review status: criteria provided, multiple submitters, no conflicts (2 of 4 stars). 2 submissions from 2 submitters: Uncertain significance (2). Last evaluated 2025-08-25.

Allele frequency attached by ClinVar (database versions not stated): ExAC 0.00002; gnomAD exomes 0.00002; TOPMed 0.00002; ESP Exome Variant Server 0.00008.

Submissions (2):

Labcorp Genetics (formerly Invitae), Labcorp
Classification: Uncertain significance. Last evaluated: 2025-08-25. Review status: criteria provided, single submitter. Criteria: Invitae Variant Classification Sherloc (09022015). Collection method: clinical testing. Allele origin: germline.
Comment: This sequence change replaces methionine, which is neutral and non-polar, with threonine, which is neutral and polar, at codon 194 of the LRRC8A protein (p.Met194Thr). This variant is present in population databases (rs145423415, gnomAD 0.003%). This variant has not been reported in the literature in individuals affected with LRRC8A-related conditions. ClinVar contains an entry for this variant (Variation ID: 2084503). An algorithm developed to predict the effect of missense changes on protein structure and function (PolyPhen-2) suggests that this variant is likely to be tolerated. In summary, the available evidence is currently insufficient to determine the role of this variant in disease. Therefore, it has been classified as a Variant of Uncertain Significance.

Ambry Genetics
Classification: Uncertain significance. Last evaluated: 2025-05-20. Review status: criteria provided, single submitter. Criteria: Ambry Variant Classification Scheme 2023. Collection method: clinical testing. Allele origin: germline.